The following is an entry in ClinVar:

NM_001256864.2(DNAJC6):c.397A>T (p.Met133Leu)

Gene: DNAJC6 (DnaJ heat shock protein family (Hsp40) member C6; plus strand). Cytogenetic location: 1p31.3.
Variant type: single nucleotide variant.
Coding change: c.397A>T on transcript NM_001256864.2 (MANE Select); coding-DNA position 397, A replaced by T.
Protein change: p.Met133Leu; replaces methionine 133 with leucine.
Molecular consequence: missense variant.
Genome position (GRCh38, 1-based): chr1:65,366,050, A>T. VCF-style: chr1-65366050-A-T. GRCh37 (hg19) VCF-style: chr1-65831733-A-T.
Other names: c.187A>T, p.Met63Leu (NM_001256865.2); c.226A>T, p.Met76Leu (NM_014787.4); c.226A>T (NM_014787.2); short protein forms M63L, M76L, M133L.
Identifiers: ClinVar variation 663145 (VCV000663145.12), dbSNP rs61757223, ClinGen allele CA893661.

ClinVar aggregate classification (germline): Uncertain significance. Review status: criteria provided, multiple submitters, no conflicts (2 of 4 stars). 4 submissions from 4 submitters: Uncertain significance (4). Last evaluated 2025-10-10.

Conditions:
Inborn genetic diseases. Identifiers: MedGen C0950123, MeSH D030342.
Juvenile onset Parkinson disease 19A. Also called: PARK19; DNAJC6 Parkinson Disease. Identifiers: Orphanet 391411, MedGen C3809811, MONDO:0014231, OMIM 615528.

Allele frequency attached by ClinVar (database versions not stated): 1000 Genomes Project 30x 0.00031; gnomAD exomes 0.00031 and 0.00061; TOPMed 0.00034; gnomAD 0.00045 and 0.00046; ESP Exome Variant Server 0.00046; 1000 Genomes Project 0.00020; ExAC 0.00028.

Submissions (4):

Labcorp Genetics (formerly Invitae), Labcorp
Classification: Uncertain significance for Juvenile onset Parkinson disease 19A. Last evaluated: 2025-10-10. Review status: criteria provided, single submitter. Criteria: Invitae Variant Classification Sherloc (09022015). Collection method: clinical testing. Allele origin: germline.
Comment: This sequence change replaces methionine, which is neutral and non-polar, with leucine, which is neutral and non-polar, at codon 133 of the DNAJC6 protein (p.Met133Leu). This variant is present in population databases (rs61757223, gnomAD 0.06%). This missense change has been observed in individual(s) with Parkinson disease and neurocognitive disorders (PMID: 26528954, 31737044, 34948429). ClinVar contains an entry for this variant (Variation ID: 663145). An algorithm developed to predict the effect of missense changes on protein structure and function (PolyPhen-2) suggests that this variant is likely to be disruptive. In summary, the available evidence is currently insufficient to determine the role of this variant in disease. Therefore, it has been classified as a Variant of Uncertain Significance.

GeneDx
Classification: Uncertain significance. Last evaluated: 2024-08-06. Review status: criteria provided, single submitter. Criteria: GeneDx Variant Classification Process June 2021. Collection method: clinical testing. Allele origin: germline. Affected: yes.
Comment: Reported as a heterozygous variant in multiple patients with movement disorders, Alzheimer disease, or Lewy Body disease in the published literature; however, a second variant in DNAJC6 was not reported (PMID: 26528954, 34948429, 31737044); In silico analysis supports that this missense variant has a deleterious effect on protein structure/function; This variant is associated with the following publications: (PMID: 26528954, 34948429, 31737044, 29203718, 31120186, 29288112)

Genome-Nilou Lab
Classification: Uncertain significance for Juvenile onset Parkinson disease 19A. Last evaluated: 2023-04-11. Review status: criteria provided, single submitter. Criteria: ACMG Guidelines, 2015. Collection method: clinical testing. Allele origin: germline. Affected: no.

Ambry Genetics
Classification: Uncertain significance for Inborn genetic diseases. Last evaluated: 2022-11-11. Review status: criteria provided, single submitter. Criteria: Ambry Variant Classification Scheme 2023. Collection method: clinical testing. Allele origin: germline.
Comment: The c.226A>T (p.M76L) alteration is located in exon 4 (coding exon 4) of the DNAJC6 gene. This alteration results from a A to T substitution at nucleotide position 226, causing the methionine (M) at amino acid position 76 to be replaced by a leucine (L). The p.M76L alteration is predicted to be deleterious by in silico analysis. Based on insufficient or conflicting evidence, the clinical significance of this alteration remains unclear.

Literature cited by the submitters: PubMed 26528954 (cited by Labcorp Genetics (formerly Invitae), Labcorp and Ambry Genetics); PubMed 31737044 (cited by Labcorp Genetics (formerly Invitae), Labcorp and Ambry Genetics); PubMed 34948429 (cited by Labcorp Genetics (formerly Invitae), Labcorp).